The following is an entry in ClinVar:

NM_024642.5(GALNT12):c.169C>T (p.Arg57Cys)

Gene: GALNT12 (polypeptide N-acetylgalactosaminyltransferase 12; plus strand). Cytogenetic location: 9q22.33.
Variant type: single nucleotide variant.
Coding change: c.169C>T on transcript NM_024642.5 (MANE Select); coding-DNA position 169, C replaced by T.
Protein change: p.Arg57Cys; replaces arginine 57 with cysteine.
Molecular consequence: missense variant.
Genome position (GRCh38, 1-based): chr9:98,807,867, C>T. VCF-style: chr9-98807867-C-T. GRCh37 (hg19) VCF-style: chr9-101570149-C-T.
Other names: short protein forms R57C.
Identifiers: ClinVar variation 1778311 (VCV001778311.3), dbSNP rs2490455478, ClinGen allele CA374222447.

ClinVar aggregate classification (germline): Uncertain significance (1 of 4 stars; one submission).

Submission:

Ambry Genetics
Classification: Uncertain significance. Last evaluated: 2023-01-19. Review status: criteria provided, single submitter. Criteria: Ambry Variant Classification Scheme 2023. Collection method: clinical testing. Allele origin: germline.
Comment: The p.R57C variant (also known as c.169C>T), located in coding exon 1 of the GALNT12 gene, results from a C to T substitution at nucleotide position 169. The arginine at codon 57 is replaced by cysteine, an amino acid with highly dissimilar properties. This amino acid position is well conserved on limited sequence alignment. In addition, this alteration is predicted to be tolerated by in silico analysis. Since supporting evidence is limited at this time, the clinical significance of this alteration remains unclear.